The following is an entry in ClinVar:

NM_000426.4(LAMA2):c.951_952insCT (p.Cys318fs)

Gene: LAMA2 (laminin subunit alpha 2; plus strand). Cytogenetic location: 6q22.33.
Variant type: Insertion.
Coding change: c.951_952insCT on transcript NM_000426.4 (MANE Select); coding-DNA positions 951 to 952, CT inserted.
Protein change: p.Cys318fs; shifts the reading frame from cysteine 318.
Molecular consequence: frameshift variant.
Genome position: GRCh38 VCF-style: chr6-129149020-C-CCT. GRCh37 (hg19) VCF-style: chr6-129470165-C-CCT.
Other names: c.951_952insCT, p.Cys318fs (NM_001079823.2); short protein forms C318fs.
Identifiers: ClinVar variation 552966 (VCV000552966.15), dbSNP rs1554227092, ClinGen allele CA570044216.

ClinVar aggregate classification (germline): Pathogenic/Likely pathogenic. Review status: criteria provided, multiple submitters, no conflicts (2 of 4 stars). 7 submissions from 7 submitters: Pathogenic (3); Likely pathogenic (3). 1 of the submissions does not count toward it. Last evaluated 2025-06-13.

Conditions:
Merosin deficient congenital muscular dystrophy (MDC1A). Also called: Congenital merosin-deficient muscular dystrophy 1A; Congenital Muscular Dystrophy Type 1A (MDC1A). Identifiers: Orphanet 258, MedGen C1263858, MONDO:0011925, OMIM 607855.
Muscular dystrophy, limb-girdle, autosomal recessive 23. Identifiers: Orphanet 565837, MedGen C4748327, MONDO:0029136, OMIM 618138.
Inborn genetic diseases. Identifiers: MedGen C0950123, MeSH D030342.
LAMA2-related muscular dystrophy (LAMA2-RD). Also called: Laminin alpha 2-related dystrophy. Identifiers: MedGen C5679788, MONDO:0100228.

Allele frequency attached by ClinVar (database versions not stated): gnomAD exomes below 0.00001.

Submissions (7):

Revvity Omics, Revvity
Classification: Likely pathogenic. Last evaluated: 2025-06-13. Review status: criteria provided, single submitter. Criteria: ACMG Guidelines, 2015. Collection method: clinical testing. Allele origin: germline.

GeneDx
Classification: Pathogenic. Last evaluated: 2025-02-10. Review status: criteria provided, single submitter. Criteria: GeneDx Variant Classification Process June 2021. Collection method: clinical testing. Allele origin: germline.
Comment: Frameshift variant predicted to result in protein truncation or nonsense mediated decay in a gene for which loss of function is a known mechanism of disease; Not observed at significant frequency in large population cohorts (gnomAD); Has not been previously published as pathogenic or benign to our knowledge; This variant is associated with the following publications: (PMID: 9674786)

Fulgent Genetics
Classification: Likely pathogenic for Merosin deficient congenital muscular dystrophy; Muscular dystrophy, limb-girdle, autosomal recessive 23. Last evaluated: 2024-05-04. Review status: criteria provided, single submitter. Criteria: ACMG Guidelines, 2015. Collection method: clinical testing. Allele origin: germline.

Baylor Genetics
Classification: Likely pathogenic for Merosin deficient congenital muscular dystrophy. Last evaluated: 2023-12-05. Review status: criteria provided, single submitter. Criteria: ACMG Guidelines, 2015. Collection method: clinical testing. Allele origin: unknown.

Labcorp Genetics (formerly Invitae), Labcorp
Classification: Pathogenic for LAMA2-related muscular dystrophy. Last evaluated: 2021-07-31. Review status: criteria provided, single submitter. Criteria: Invitae Variant Classification Sherloc (09022015). Collection method: clinical testing. Allele origin: germline.
Comment: ClinVar contains an entry for this variant (Variation ID: 552966). This variant has not been reported in the literature in individuals affected with LAMA2-related conditions. This variant is not present in population databases (ExAC no frequency). This sequence change creates a premature translational stop signal (p.Cys318Leufs*20) in the LAMA2 gene. It is expected to result in an absent or disrupted protein product. Loss-of-function variants in LAMA2 are known to be pathogenic (PMID: 18700894). For these reasons, this variant has been classified as Pathogenic.

Ambry Genetics
Classification: Pathogenic for Inborn genetic diseases. Last evaluated: 2021-02-01. Review status: criteria provided, single submitter. Criteria: Ambry Variant Classification Scheme 2023. Collection method: clinical testing. Allele origin: germline.
Comment: The c.951_952insCT (p.C318Lfs*20) alteration, located in exon 7 (coding exon 7) of the LAMA2 gene, consists of an insertion of CT at position 951, causing a translational frameshift with a predicted alternate stop codon after 20 amino acids. This alteration is expected to result in loss of function by premature protein truncation or nonsense-mediated mRNA decay. Based on data from the Genome Aggregation Database (gnomAD) database, the LAMA2 c.951_952insCT alteration was observed in 0.0004% (1/251,280) of total alleles studied. Based on the available evidence, this alteration is classified as pathogenic.

Counsyl
Classification: Likely pathogenic for Merosin deficient congenital muscular dystrophy. Last evaluated: 2017-08-03. Review status: no assertion criteria provided. Collection method: clinical testing. Allele origin: unknown. Not counted in ClinVar's aggregate classification.

Literature cited by the submitters: PubMed 18700894 (cited by Labcorp Genetics (formerly Invitae), Labcorp); PubMed 9674786 (cited by Ambry Genetics and Counsyl).